The following is an entry in ClinVar:

NM_015599.3(PGM3):c.770A>T (p.His257Leu)

Gene: PGM3 (phosphoglucomutase 3; minus strand). Cytogenetic location: 6q14.1.
Variant type: single nucleotide variant.
Coding change: c.770A>T on transcript NM_015599.3 (MANE Select); coding-DNA position 770, A replaced by T.
Protein change: p.His257Leu; replaces histidine 257 with leucine.
Molecular consequence: missense variant. On other transcripts: non-coding transcript variant (1).
Genome position (GRCh38, 1-based): chr6:83,181,753, T>A on the plus strand (A>T on the coding strand, the complement: PGM3 is on the minus strand). VCF-style: chr6-83181753-T-A. GRCh37 (hg19) VCF-style: chr6-83891472-T-A.
Other names: c.854A>T, p.His285Leu (NM_001199917.2, NM_001367287.1); c.527A>T, p.His176Leu (NM_001199918.2); c.770A>T, p.His257Leu (NM_001199919.2, NM_001367286.1); short protein forms H176L, H257L, H285L.
Identifiers: ClinVar variation 1474850 (VCV001474850.5), dbSNP rs369781935, ClinGen allele CA364881834.

ClinVar aggregate classification (germline): Uncertain significance (1 of 4 stars; one submission).

Conditions:
Immunodeficiency 23 (IMD23). Also called: IMMUNODEFICIENCY WITH HYPER IgE AND COGNITIVE IMPAIRMENT; IMMUNODEFICIENCY-VASCULITIS-MYOCLONUS SYNDROME. Identifiers: Orphanet 443811, MedGen C4014371, MONDO:0014353, OMIM 615816.

Submission:

Labcorp Genetics (formerly Invitae), Labcorp
Classification: Uncertain significance for Immunodeficiency 23. Last evaluated: 2021-09-24. Review status: criteria provided, single submitter. Criteria: Invitae Variant Classification Sherloc (09022015). Collection method: clinical testing. Allele origin: germline.
Comment: This sequence change replaces histidine with leucine at codon 285 of the PGM3 protein (p.His285Leu). The histidine residue is weakly conserved and there is a moderate physicochemical difference between histidine and leucine. This variant is not present in population databases (ExAC no frequency). This variant has not been reported in the literature in individuals with PGM3-related conditions. Algorithms developed to predict the effect of missense changes on protein structure and function (SIFT, PolyPhen-2, Align-GVGD) all suggest that this variant is likely to be tolerated, but these predictions have not been confirmed by published functional studies and their clinical significance is uncertain. In summary, the available evidence is currently insufficient to determine the role of this variant in disease. Therefore, it has been classified as a Variant of Uncertain Significance.